The following is an entry in ClinVar:

ClinVar aggregate classification (germline): Uncertain significance. Review status: criteria provided, multiple submitters, no conflicts (2 of 4 stars). 2 submissions from 2 submitters: Uncertain significance (2). Last evaluated 2022-04-05.

Allele frequency attached by ClinVar (database versions not stated): TOPMed 0.00001.
gnomAD v4.1: 4 of 1,481,626 alleles (0.00027%); highest among the groups gnomAD compares: Non-Finnish European, 0.00036%; no homozygotes.

Submissions (2):

Labcorp Genetics (formerly Invitae), Labcorp
Classification: Uncertain significance. Last evaluated: 2022-04-05. Review status: criteria provided, single submitter. Criteria: Invitae Variant Classification Sherloc (09022015). Collection method: clinical testing. Allele origin: germline.
Comment: This sequence change replaces arginine, which is basic and polar, with tryptophan, which is neutral and slightly polar, at codon 1586 of the LTBP4 protein (p.Arg1586Trp). This variant is not present in population databases (gnomAD no frequency). This variant has not been reported in the literature in individuals affected with LTBP4-related conditions. ClinVar contains an entry for this variant (Variation ID: 1298767). Experimental studies and prediction algorithms are not available or were not evaluated, and the functional significance of this variant is currently unknown. In summary, the available evidence is currently insufficient to determine the role of this variant in disease. Therefore, it has been classified as a Variant of Uncertain Significance.

CeGaT Center for Human Genetics Tuebingen
Classification: Uncertain significance. Last evaluated: 2021-09-01. Review status: criteria provided, single submitter. Criteria: CeGaT Center For Human Genetics Tuebingen Variant Classification Criteria Version 2. Collection method: clinical testing. Allele origin: germline. Affected: yes. Observed: 1 variant allele.

NM_001042545.2(LTBP4):c.4666C>T (p.Arg1556Trp)

Gene: LTBP4 (latent transforming growth factor beta binding protein 4; plus strand). Cytogenetic location: 19q13.2.
Variant type: single nucleotide variant.
Coding change: c.4666C>T on transcript NM_001042545.2 (MANE Select); coding-DNA position 4666, C replaced by T.
Protein change: p.Arg1556Trp; replaces arginine 1556 with tryptophan.
Molecular consequence: missense variant.
Genome position (GRCh38, 1-based): chr19:40,629,542, C>T. VCF-style: chr19-40629542-C-T. GRCh37 (hg19) VCF-style: chr19-41135447-C-T.
Other names: c.4867C>T, p.Arg1623Trp (NM_001042544.1); c.4756C>T, p.Arg1586Trp (NM_003573.2); short protein forms R1556W, R1586W, R1623W.
Identifiers: ClinVar variation 1298767 (VCV001298767.37), dbSNP rs1459808397, ClinGen allele CA405913401.
Genomic context (GRCh38, chr19:40,629,542, plus strand): 5'-ATCTGCCGCCCGGGATTCGCACCCACGCACCAGCCGCACCACTGTGCGCCCGCACGGCCC[C>T]GGGCCTGAGCCCTGGCACCCGCTGGCCGCCCACCCGCGCCCGCCACTCGGGGCCCCTGCC-3'
Protein context (NP_001036010.1, residues 1546-1557): QPHHCAPARP[Arg1556Trp]A